The following is an entry in ClinVar:

ClinVar aggregate classification (germline): Uncertain significance (1 of 4 stars; one submission).

Conditions:
Immunodeficiency, common variable, 10. Also called: DEFICIT IN ANTERIOR PITUITARY FUNCTION AND VARIABLE IMMUNODEFICIENCY; IMMUNODEFICIENCY, COMMON VARIABLE, WITH CENTRAL ADRENAL INSUFFICIENCY. Identifiers: MedGen C3809991, MONDO:0014260, OMIM 615577.

Allele frequency attached by ClinVar (database versions not stated): gnomAD 0.00001; gnomAD exomes 0.00001 and 0.00002.
gnomAD v4.1: 10 of 1,494,714 alleles (0.00067%); highest among the groups gnomAD compares: Admixed American, 0.0089%; no homozygotes.

Submission:

Labcorp Genetics (formerly Invitae), Labcorp
Classification: Uncertain significance for Immunodeficiency, common variable, 10. Last evaluated: 2025-10-29. Review status: criteria provided, single submitter. Criteria: Invitae Variant Classification Sherloc (09022015). Collection method: clinical testing. Allele origin: germline.
Comment: This sequence change replaces threonine, which is neutral and polar, with isoleucine, which is neutral and non-polar, at codon 429 of the NFKB2 protein (p.Thr429Ile). The frequency data for this variant in the population databases is considered unreliable, as metrics indicate poor data quality at this position in the gnomAD database. This variant has not been reported in the literature in individuals affected with NFKB2-related conditions. ClinVar contains an entry for this variant (Variation ID: 1058521). An algorithm developed to predict the effect of missense changes on protein structure and function (PolyPhen-2) suggests that this variant is likely to be tolerated. In summary, the available evidence is currently insufficient to determine the role of this variant in disease. Therefore, it has been classified as a Variant of Uncertain Significance.

NM_001322934.2(NFKB2):c.1286C>T (p.Thr429Ile)

Genes: NFKB2 (nuclear factor kappa B subunit 2; plus strand), LOC130004599 (ATAC-STARR-seq lymphoblastoid silent region 2756; plus strand). Cytogenetic location: 10q24.32.
Variant type: single nucleotide variant.
Coding change: c.1286C>T on transcript NM_001322934.2 (MANE Select); coding-DNA position 1286, C replaced by T.
Protein change: p.Thr429Ile; replaces threonine 429 with isoleucine.
Molecular consequence: missense variant.
Genome position (GRCh38, 1-based): chr10:102,399,456, C>T. VCF-style: chr10-102399456-C-T. GRCh37 (hg19) VCF-style: chr10-104159213-C-T.
Other names: c.1286C>T, p.Thr429Ile (NM_001077494.3, NM_001261403.3, NM_001288724.1 and 1 more transcripts); c.1160C>T, p.Thr387Ile (NM_001322935.1); short protein forms T387I, T429I.
Identifiers: ClinVar variation 1058521 (VCV001058521.9), dbSNP rs1458287262, ClinGen allele CA377899284.
Genomic context (GRCh38, chr10:102,399,456, plus strand): 5'-CCACGGTGCCCAGCAGGGACTCCGGGGAGGAAGCCGCGGAGCCAAGCGCCCCCTCCAGGA[C>T]CCCCCAGTGCGAGCCGCAGGCCCCGGAGATGCTGCAGCGAGGTATGGACTCCGGGGCACG-3'
Protein context (NP_001309863.1, residues 419-439): EAAEPSAPSR[Thr429Ile]PQCEPQAPEM